The following is an entry in ClinVar:

NM_007294.4(BRCA1):c.2246A>T (p.Asp749Val)

Gene: BRCA1 (BRCA1 DNA repair associated; minus strand). Cytogenetic location: 17q21.31.
Variant type: single nucleotide variant.
Coding change: c.2246A>T on transcript NM_007294.4 (MANE Select); coding-DNA position 2246, A replaced by T.
Protein change: p.Asp749Val; replaces aspartic acid 749 with valine.
Molecular consequence: missense variant. On other transcripts: intron variant (137).
Genome position (GRCh38, 1-based): chr17:43,093,285, T>A on the plus strand (A>T on the coding strand, the complement: BRCA1 is on the minus strand). VCF-style: chr17-43093285-T-A. GRCh37 (hg19) VCF-style: chr17-41245302-T-A.
Other names: p.D749V:GAT>GTT; c.2033A>T, p.Asp678Val (NM_001407571.1, NM_001407853.1, NM_001407894.1 and 9 more transcripts); c.2246A>T, p.Asp749Val (NM_001407581.1, NM_001407582.1, NM_001407583.1 and 30 more transcripts); c.2243A>T, p.Asp748Val (NM_001407587.1, NM_001407590.1, NM_001407591.1 and 22 more transcripts); c.2237A>T, p.Asp746Val (NM_001407646.1, NM_001407647.1); c.2123A>T, p.Asp708Val (NM_001407648.1, NM_001407664.1, NM_001407665.1 and 19 more transcripts); c.2120A>T, p.Asp707Val (NM_001407649.1, NM_001407670.1, NM_001407671.1 and 11 more transcripts); c.2168A>T, p.Asp723Val (NM_001407653.1, NM_001407654.1, NM_001407655.1 and 4 more transcripts); and 42 more; short protein forms D749V, D702V, D638V, D660V, D637V, D661V, D682V, D746V.
Identifiers: ClinVar variation 182143 (VCV000182143.61), dbSNP rs730881479, ClinGen allele CA001506.
Genomic context (GRCh38, chr17:43,093,285, plus strand): 5'-ATACTGCTACTCTCTACAGATCTTTCAGTTTGCAAAACCCTTTCTCCACTTAACATGAGA[T>A]CTTTGGGGTCTTCAGCATTATTAGACACTTTAACTGTTTCTAGTTTCTCTTCTTTTTCTT-3'
Protein context (NP_009225.1, residues 739-759): KVSNNAEDPK[Asp749Val]LMLSGERVLQ

ClinVar aggregate classification (germline): Conflicting classifications of pathogenicity. Review status: criteria provided, conflicting classifications (1 of 4 stars). 7 submissions from 7 submitters: Uncertain significance (6); Likely benign (1). Last evaluated 2026-04-06.

Conditions:
Hereditary cancer-predisposing syndrome. Also called: Tumor predisposition; Neoplastic Syndromes, Hereditary; Hereditary Cancer Syndrome; Hereditary neoplastic syndrome. Identifiers: Orphanet 140162, MedGen C0027672, MeSH D009386, MONDO:0015356.
Hereditary breast ovarian cancer syndrome. Also called: Hereditary breast and ovarian cancer syndrome (HBOC); Hereditary breast and ovarian cancer; Hereditary breast and ovarian cancer syndrome; Hereditary breast and/or ovarian cancer syndrome; Breast and ovarian cancer; BRCA1- and BRCA2-Associated Hereditary Breast and Ovarian Cancer. Identifiers: Orphanet 145, MedGen C0677776, MeSH D061325, MONDO:0003582. Disease mechanism: loss of function.

Allele frequency attached by ClinVar (database versions not stated): gnomAD 0.00001; TOPMed 0.00001.

Submissions (7):

Women's Health and Genetics/Laboratory Corporation of America, LabCorp
Classification: Uncertain significance. Last evaluated: 2026-04-06. Review status: criteria provided, single submitter. Criteria: LabCorp Variant Classification Summary - May 2015. Collection method: clinical testing. Allele origin: germline.
Comment: Variant summary: BRCA1 c.2246A>T (p.Asp749Val) results in a non-conservative amino acid change in the encoded protein sequence. Algorithms developed to predict the effect of missense changes on protein structure and function are either unavailable or do not agree on the potential impact of this missense change. The variant allele was found at a frequency of 4e-06 in 251204 control chromosomes. The available data on variant occurrences in the general population are insufficient to allow any conclusion about variant significance. c.2246A>T has been observed in individual(s) affected with Hereditary Breast And Ovarian Cancer Syndrome (Reeves_2004, Judkins_2005). These report(s) do not provide unequivocal conclusions about association of the variant with Hereditary Breast And Ovarian Cancer Syndrome. To our knowledge, no experimental evidence demonstrating an impact on protein function has been reported. The following publications have been ascertained in the context of this evaluation (PMID: 16267036, 15146556). ClinVar contains an entry for this variant (Variation ID: 182143). Based on the evidence outlined above, the variant was classified as uncertain significance.

Color Diagnostics, LLC DBA Color Health
Classification: Uncertain significance for Hereditary cancer-predisposing syndrome. Last evaluated: 2025-07-09. Review status: criteria provided, single submitter. Criteria: ACMG Guidelines, 2015. Collection method: clinical testing. Allele origin: germline.
Comment: This missense variant replaces aspartic acid with valine at codon 749 of the BRCA1 protein. Computational prediction suggests that this variant may not impact protein structure and function. To our knowledge, functional studies have not been reported for this variant. This variant has been reported in a hereditary breast cancer family with a pathogenic BRCA1 p.Glu881* nonsense mutation (PMID: 15146556). Multifactorial analysis reached a combined likelihood ratio (LR) of 0.1900 using reported LRs based on co-occurrence with a pathogenic variant and personal and family history for one carrier (PMID: 31131967, 31853058). This variant has been identified in 1/251204 chromosomes in the general population by the Genome Aggregation Database (gnomAD). The available evidence is insufficient to determine the role of this variant in disease conclusively. Therefore, this variant is classified as a Variant of Uncertain Significance.

Ambry Genetics
Classification: Uncertain significance for Hereditary cancer-predisposing syndrome. Last evaluated: 2025-04-07. Review status: criteria provided, single submitter. Criteria: Ambry Variant Classification Scheme 2023. Collection method: clinical testing. Allele origin: germline.
Comment: The p.D749V variant (also known as c.2246A>T), located in coding exon 9 of the BRCA1 gene, results from an A to T substitution at nucleotide position 2246. The aspartic acid at codon 749 is replaced by valine, an amino acid with highly dissimilar properties. In one study of 90 South African breast/ovarian cancer families, this variant was observed in a family with nine cases of breast cancer and co-occurred with BRCA1 p.E881* (Reeves MD et al. Int. J. Cancer. 2004 Jul; 110(5):677-82). This alteration has also been detected in another patient from a breast and/or ovarian cancer family (Judkins T et al. Cancer Res. 2005 Nov;65(21):10096-103). This variant was identified in a cohort of 3,579 African males diagnosed with prostate cancer who underwent multi-gene panel testing of 19 DNA repair and cancer predisposition genes (Matejcic M et al. JCO Precis Oncol, 2020 Jan;4:32-43). This amino acid position is not well conserved in available vertebrate species. In addition, the in silico prediction for this alteration is inconclusive. Based on the available evidence, the clinical significance of this variant remains unclear.

Labcorp Genetics (formerly Invitae), Labcorp
Classification: Uncertain significance for Hereditary breast ovarian cancer syndrome. Last evaluated: 2025-01-08. Review status: criteria provided, single submitter. Criteria: Invitae Variant Classification Sherloc (09022015). Collection method: clinical testing. Allele origin: germline.
Comment: This sequence change replaces aspartic acid, which is acidic and polar, with valine, which is neutral and non-polar, at codon 749 of the BRCA1 protein (p.Asp749Val). This variant is present in population databases (rs730881479, gnomAD 0.007%). This missense change has been observed in individual(s) with breast cancer for which a pathogenic allele was also identified in the BRCA1 gene however there was insufficient evidence to conclude whether or not these variants segregate with disease (PMID: 15146556). ClinVar contains an entry for this variant (Variation ID: 182143). Invitae Evidence Modeling of protein sequence and biophysical properties (such as structural, functional, and spatial information, amino acid conservation, physicochemical variation, residue mobility, and thermodynamic stability) indicates that this missense variant is not expected to disrupt BRCA1 protein function with a negative predictive value of 80%. In summary, the available evidence is currently insufficient to determine the role of this variant in disease. Therefore, it has been classified as a Variant of Uncertain Significance.

GeneDx
Classification: Uncertain significance. Last evaluated: 2024-03-28. Review status: criteria provided, single submitter. Criteria: GeneDx Variant Classification Process June 2021. Collection method: clinical testing. Allele origin: germline. Affected: yes.
Comment: Identified in individuals referred for multi-gene panel testing with personal or family history of cancer (PMID: 16267036, 31853058, 15146556); Not observed at significant frequency in large population cohorts (gnomAD); In silico analysis supports that this missense variant has a deleterious effect on protein structure/function; Also known as 2365A>T; This variant is associated with the following publications: (PMID: 15146556, 16267036, 15343273, 31131967, 29884841, 32377563, 31853058)

University of Washington Department of Laboratory Medicine, University of Washington
Classification: Likely benign for Hereditary cancer-predisposing syndrome. Last evaluated: 2023-03-23. Review status: criteria provided, single submitter. Criteria: Dines et al. (Genet Med. 2020). Collection method: curation. Allele origin: germline.
Comment: Missense variant in a coldspot region where missense variants are very unlikely to be pathogenic (PMID:31911673).

BRCA1 coldspot (exon 11 using historical exon numbering). Reclassification based on statistical prior probability

Quest Diagnostics Nichols Institute San Juan Capistrano
Classification: Uncertain significance. Last evaluated: 2017-09-07. Review status: criteria provided, single submitter. Criteria: Quest Diagnostics criteria. Collection method: clinical testing. Allele origin: germline.

Literature cited by the submitters: PubMed 16267036 (cited by Women's Health and Genetics/Laboratory Corporation of America, LabCorp); PubMed 15146556 (cited by 4 submitters); PubMed 31131967 (cited by Color Diagnostics, LLC DBA Color Health); PubMed 31853058 (cited by Color Diagnostics, LLC DBA Color Health); PubMed 32832836 (cited by Ambry Genetics).